The following is an entry in ClinVar:

ClinVar aggregate classification (germline): Pathogenic (1 of 4 stars; one submission).

Submission:

Labcorp Genetics (formerly Invitae), Labcorp
Classification: Pathogenic. Last evaluated: 2025-12-10. Review status: criteria provided, single submitter. Criteria: Invitae Variant Classification Sherloc (09022015). Collection method: clinical testing. Allele origin: germline.
Comment: This sequence change creates a premature translational stop signal (p.Lys543Aspfs*10) in the ATP2A2 gene. It is expected to result in an absent or disrupted protein product. Loss-of-function variants in ATP2A2 are known to be pathogenic (PMID: 10080178, 10441324). This variant is not present in population databases (gnomAD no frequency). This premature translational stop signal has been observed in individual(s) with Darier disease (PMID: 10441323). For these reasons, this variant has been classified as Pathogenic.

Literature cited by the submitters: PubMed 10080178; PubMed 10441324; PubMed 10441323.

NM_170665.4(ATP2A2):c.1626_1627del (p.Lys543fs)

Gene: ATP2A2 (ATPase sarcoplasmic/endoplasmic reticulum Ca2+ transporting 2; plus strand). Cytogenetic location: 12q24.11.
Variant type: Deletion.
Coding change: c.1626_1627del on transcript NM_170665.4 (MANE Select); coding-DNA positions 1626 to 1627, 2 bases deleted (GA; older notation c.1626_1627delGA).
Protein change: p.Lys543fs; shifts the reading frame from lysine 543.
Molecular consequence: frameshift variant.
Genome position (GRCh38, 1-based): chr12:110,339,586-110,339,587, GA deleted; deleting any 2 consecutive bases within chr12:110,339,585-110,339,587 gives the same sequence; the c. name uses the placement nearest the transcript's 3' end. VCF-style (leftmost placement, unchanged base first): chr12-110339584-CAG-C. GRCh37 (hg19) VCF-style: chr12-110777389-CAG-C.
Other names: c.1521_1522del, p.Lys508fs (NM_001413013.1); c.1626_1627del, p.Lys543fs (NM_001413014.1, NM_001681.4); c.1251_1252del, p.Lys418fs (NM_001413015.1); short protein forms K543fs, K418fs, K508fs.
Identifiers: ClinVar variation 4710037 (VCV004710037.1).